The following is an entry in ClinVar:

NM_000051.4(ATM):c.6913C>G (p.Gln2305Glu)

Genes: ATM (ATM serine/threonine kinase; plus strand), C11orf65 (chromosome 11 open reading frame 65; minus strand). Cytogenetic location: 11q22.3.
Variant type: single nucleotide variant.
Coding change: c.6913C>G on transcript NM_000051.4 (MANE Select); coding-DNA position 6913, C replaced by G.
Protein change: p.Gln2305Glu; replaces glutamine 2305 with glutamic acid.
Molecular consequence: missense variant. On other transcripts: intron variant (2).
Genome position (GRCh38, 1-based): chr11:108,326,163, C>G. VCF-style: chr11-108326163-C-G. GRCh37 (hg19) VCF-style: chr11-108196890-C-G.
Other names: c.6913C>G, p.Gln2305Glu (NM_001351834.2); c.641-17092G>C (NM_001330368.2); c.*38+9057G>C (NM_001351110.2); short protein forms Q2305E.
Identifiers: ClinVar variation 1756136 (VCV001756136.2), dbSNP rs1282099124, ClinGen allele CA382557038.

ClinVar aggregate classification (germline): Uncertain significance (1 of 4 stars; one submission).

Conditions:
Hereditary cancer-predisposing syndrome. Also called: Hereditary neoplastic syndrome; Neoplastic Syndromes, Hereditary; Tumor predisposition; Hereditary Cancer Syndrome. Identifiers: Orphanet 140162, MedGen C0027672, MeSH D009386, MONDO:0015356.

Allele frequency attached by ClinVar (database versions not stated): TOPMed below 0.00001.
gnomAD v4.1: 1 of 1,614,120 alleles (0.000062%); highest among the groups gnomAD compares: Non-Finnish European, 0.000085%; no homozygotes.

Submission:

Ambry Genetics
Classification: Uncertain significance for Hereditary cancer-predisposing syndrome. Last evaluated: 2021-08-13. Review status: criteria provided, single submitter. Criteria: Ambry Variant Classification Scheme 2023. Collection method: clinical testing. Allele origin: germline.
Comment: The p.Q2305E variant (also known as c.6913C>G), located in coding exon 46 of the ATM gene, results from a C to G substitution at nucleotide position 6913. The glutamine at codon 2305 is replaced by glutamic acid, an amino acid with highly similar properties. This amino acid position is conserved. In addition, this alteration is predicted to be tolerated by in silico analysis. Since supporting evidence is limited at this time, the clinical significance of this alteration remains unclear.